The following is an entry in ClinVar:

ClinVar aggregate classification (germline): Uncertain significance (1 of 4 stars; one submission).

Conditions:
Inborn genetic diseases. Identifiers: MedGen C0950123, MeSH D030342.

gnomAD v4.1: 1 of 1,613,668 alleles (0.000062%); highest among the groups gnomAD compares: Non-Finnish European, 0.000085%; no homozygotes.

Submission:

Ambry Genetics
Classification: Uncertain significance for Inborn genetic diseases. Last evaluated: 2021-06-11. Review status: criteria provided, single submitter. Criteria: Ambry Variant Classification Scheme 2023. Collection method: clinical testing. Allele origin: germline.
Comment: The p.E478K variant (also known as c.1432G>A), located in coding exon 6 of the ATR gene, results from a G to A substitution at nucleotide position 1432. The glutamic acid at codon 478 is replaced by lysine, an amino acid with similar properties. This amino acid position is conserved. In addition, this alteration is predicted to be tolerated by in silico analysis. Since supporting evidence is limited at this time, the clinical significance of this alteration remains unclear.

NM_001184.4(ATR):c.1432G>A (p.Glu478Lys)

Gene: ATR (ATR checkpoint kinase; minus strand). Cytogenetic location: 3q23.
Variant type: single nucleotide variant.
Coding change: c.1432G>A on transcript NM_001184.4 (MANE Select); coding-DNA position 1432, G replaced by A.
Protein change: p.Glu478Lys; replaces glutamic acid 478 with lysine.
Molecular consequence: missense variant. On other transcripts: intron variant (1).
Genome position (GRCh38, 1-based): chr3:142,560,372, C>T on the plus strand (G>A on the coding strand, the complement: ATR is on the minus strand). VCF-style: chr3-142560372-C-T. GRCh37 (hg19) VCF-style: chr3-142279214-C-T.
Other names: c.1349+871G>A (NM_001354579.2); short protein forms E478K.
Identifiers: ClinVar variation 1772535 (VCV001772535.2), dbSNP rs371017404, ClinGen allele CA84753966.